The following is an entry in ClinVar:

NM_000138.5(FBN1):c.6359G>T (p.Gly2120Val)

Gene: FBN1 (fibrillin 1; minus strand). Cytogenetic location: 15q21.1.
Variant type: single nucleotide variant.
Coding change: c.6359G>T on transcript NM_000138.5 (MANE Select); coding-DNA position 6359, G replaced by T.
Protein change: p.Gly2120Val; replaces glycine 2120 with valine.
Molecular consequence: missense variant.
Genome position (GRCh38, 1-based): chr15:48,437,342, C>A on the plus strand (G>T on the coding strand, the complement: FBN1 is on the minus strand). VCF-style: chr15-48437342-C-A. GRCh37 (hg19) VCF-style: chr15-48729539-C-A.
Other names: short protein forms G2120V.
Identifiers: ClinVar variation 938248 (VCV000938248.9), dbSNP rs1310047239, ClinGen allele CA392336775.

ClinVar aggregate classification (germline): Uncertain significance (1 of 4 stars; one submission).

Conditions:
Familial thoracic aortic aneurysm and aortic dissection (TAAD). Also called: Thoracic aortic aneurysms and dissections. Identifiers: Orphanet 91387, MedGen C4707243, MONDO:0019625.
Marfan syndrome (MFS). Also called: Marfan syndrome, classic; Marfan syndrome type 1; Marfan's syndrome; FBN1-Related Marfan Syndrome; MARFAN SYNDROME, TYPE I. Identifiers: Orphanet 284963, Orphanet 558, MedGen C0024796, MONDO:0007947, OMIM 154700.

Submission:

Labcorp Genetics (formerly Invitae), Labcorp
Classification: Uncertain significance for Marfan syndrome; Familial thoracic aortic aneurysm and aortic dissection. Last evaluated: 2019-09-03. Review status: criteria provided, single submitter. Criteria: Invitae Variant Classification Sherloc (09022015). Collection method: clinical testing. Allele origin: germline.
Comment: This sequence change replaces glycine with valine at codon 2120 of the FBN1 protein (p.Gly2120Val). The glycine residue is highly conserved and there is a moderate physicochemical difference between glycine and valine. This variant is not present in population databases (ExAC no frequency). This variant has not been reported in the literature in individuals with FBN1-related conditions. Algorithms developed to predict the effect of missense changes on protein structure and function are either unavailable or do not agree on the potential impact of this missense change (SIFT: "Deleterious"; PolyPhen-2: "Benign"; Align-GVGD: "Class C0"). Algorithms developed to predict the effect of sequence changes on RNA splicing suggest that this variant may create or strengthen a splice site, but this prediction has not been confirmed by published transcriptional studies. In summary, the available evidence is currently insufficient to determine the role of this variant in disease. Therefore, it has been classified as a Variant of Uncertain Significance.